The following is an entry in ClinVar:

NM_007294.4(BRCA1):c.4603G>A (p.Glu1535Lys)

Gene: BRCA1 (BRCA1 DNA repair associated; minus strand). Cytogenetic location: 17q21.31.
Variant type: single nucleotide variant.
Coding change: c.4603G>A on transcript NM_007294.4 (MANE Select); coding-DNA position 4603, G replaced by A.
Protein change: p.Glu1535Lys; replaces glutamic acid 1535 with lysine.
Molecular consequence: missense variant. On other transcripts: non-coding transcript variant (1).
Genome position (GRCh38, 1-based): chr17:43,074,403, C>T on the plus strand (G>A on the coding strand, the complement: BRCA1 is on the minus strand). VCF-style: chr17-43074403-C-T. GRCh37 (hg19) VCF-style: chr17-41226420-C-T.
Other names: c.4390G>A, p.Glu1464Lys (NM_001407571.1, NM_001407902.1, NM_001407904.1 and 12 more transcripts); c.4669G>A, p.Glu1557Lys (NM_001407581.1, NM_001407582.1); c.4666G>A, p.Glu1556Lys (NM_001407583.1, NM_001407585.1, NM_001407587.1 and 1 more transcripts); c.4663G>A, p.Glu1555Lys (NM_001407590.1, NM_001407591.1); c.4603G>A, p.Glu1535Lys (NM_001407593.1, NM_001407594.1, NM_001407596.1 and 8 more transcripts); c.4600G>A, p.Glu1534Lys (NM_001407610.1, NM_001407611.1, NM_001407612.1 and 17 more transcripts); c.4597G>A, p.Glu1533Lys (NM_001407630.1, NM_001407631.1, NM_001407632.1 and 14 more transcripts); c.4525G>A, p.Glu1509Lys (NM_001407653.1, NM_001407654.1, NM_001407655.1); and 68 more; short protein forms E1535K, E1488K, E1556K, E431K, E1366K, E1424K, E1445K, E1486K.
Identifiers: ClinVar variation 231268 (VCV000231268.22), dbSNP rs80357366, ClinGen allele CA10580516.
Genomic context (GRCh38, chr17:43,074,403, plus strand): 5'-TTGGCAAGTAAGATGTTTCCGTCAAATCGTGTGGCCCAGACTCTTCCAGCTGTTGCTCCT[C>T]CACATCAACAACCTTAATGAGCTCCTCTTGAGATGGGTAGTTTCTATTCTGAAGACTCCC-3'
Protein context (NP_009225.1, residues 1525-1545): QEELIKVVDV[Glu1535Lys]EQQLEESGPH

ClinVar aggregate classification (germline): Uncertain significance. Review status: criteria provided, multiple submitters, no conflicts (2 of 4 stars). 6 submissions from 6 submitters: Uncertain significance (6). Last evaluated 2026-01-04.

Conditions:
Hereditary cancer-predisposing syndrome. Also called: Tumor predisposition; Hereditary Cancer Syndrome; Neoplastic Syndromes, Hereditary; Hereditary neoplastic syndrome. Identifiers: Orphanet 140162, MedGen C0027672, MeSH D009386, MONDO:0015356.
Breast-ovarian cancer, familial, susceptibility to, 1 (BROVCA1). Also called: BRCA1 Hereditary Breast and Ovarian Cancer; OVARIAN CANCER, SUSCEPTIBILITY TO. Identifiers: Orphanet 145, MedGen C2676676, MONDO:0011450, OMIM 604370. Disease mechanism: loss of function.
Hereditary breast ovarian cancer syndrome. Also called: Breast and ovarian cancer; Hereditary breast and ovarian cancer; Hereditary breast and ovarian cancer syndrome; Hereditary breast and/or ovarian cancer syndrome; BRCA1- and BRCA2-Associated Hereditary Breast and Ovarian Cancer; Hereditary breast and ovarian cancer syndrome (HBOC). Identifiers: Orphanet 145, MedGen C0677776, MeSH D061325, MONDO:0003582. Disease mechanism: loss of function.

Submissions (6):

Labcorp Genetics (formerly Invitae), Labcorp
Classification: Uncertain significance for Hereditary breast ovarian cancer syndrome. Last evaluated: 2026-01-04. Review status: criteria provided, single submitter. Criteria: Invitae Variant Classification Sherloc (09022015). Collection method: clinical testing. Allele origin: germline.
Comment: This sequence change replaces glutamic acid, which is acidic and polar, with lysine, which is basic and polar, at codon 1535 of the BRCA1 protein (p.Glu1535Lys). This variant is not present in population databases (gnomAD no frequency). This missense change has been observed in individual(s) with hereditary breast and ovarian cancer syndrome (PMID: 34981296). ClinVar contains an entry for this variant (Variation ID: 231268). Invitae Evidence Modeling of protein sequence and biophysical properties (such as structural, functional, and spatial information, amino acid conservation, physicochemical variation, residue mobility, and thermodynamic stability) indicates that this missense variant is not expected to disrupt BRCA1 protein function with a negative predictive value of 95%. Experimental studies are conflicting or provide insufficient evidence to determine the effect of this variant on BRCA1 function (PMID: 37085799). In summary, the available evidence is currently insufficient to determine the role of this variant in disease. Therefore, it has been classified as a Variant of Uncertain Significance.

Ambry Genetics
Classification: Uncertain significance for Hereditary cancer-predisposing syndrome. Last evaluated: 2025-10-29. Review status: criteria provided, single submitter. Criteria: Ambry Variant Classification Scheme 2023. Collection method: clinical testing. Allele origin: germline.
Comment: The p.E1535K variant (also known as c.4603G>A), located in coding exon 13 of the BRCA1 gene, results from a G to A substitution at nucleotide position 4603. The glutamic acid at codon 1535 is replaced by lysine, an amino acid with similar properties. This amino acid position is not well conserved in available vertebrate species. In addition, the in silico prediction for this alteration is inconclusive. Since supporting evidence is limited at this time, the clinical significance of this alteration remains unclear.

Baylor Genetics
Classification: Uncertain significance for Breast-ovarian cancer, familial, susceptibility to, 1. Last evaluated: 2024-02-19. Review status: criteria provided, single submitter. Criteria: ACMG Guidelines, 2015. Collection method: clinical testing. Allele origin: unknown.

GeneDx
Classification: Uncertain significance. Last evaluated: 2023-06-16. Review status: criteria provided, single submitter. Criteria: GeneDx Variant Classification Process June 2021. Collection method: clinical testing. Allele origin: germline. Affected: yes.
Comment: Identified in individuals referred for multi-gene panel testing based on personal or family history of cancer (Li et al., 2020); Published functional studies demonstrate normal expression levels and retained transactivation activity, but impaired homologous recombination repair activity (Bassi et al., 2023); In silico analysis supports that this missense variant does not alter protein structure/function; Not observed at significant frequency in large population cohorts (gnomAD); Also known as 4722G>A; This variant is associated with the following publications: (PMID: 11301010, 9974970, 32377563, 29884841, 37085799, 31853058)

Quest Diagnostics Nichols Institute San Juan Capistrano
Classification: Uncertain significance. Last evaluated: 2021-07-21. Review status: criteria provided, single submitter. Criteria: Quest Diagnostics criteria. Collection method: clinical testing. Allele origin: unknown.

Color Diagnostics, LLC DBA Color Health
Classification: Uncertain significance for Hereditary cancer-predisposing syndrome. Last evaluated: 2019-01-04. Review status: criteria provided, single submitter. Criteria: ACMG Guidelines, 2015. Collection method: clinical testing. Allele origin: germline.

Literature cited by the submitters: PubMed 34981296 (cited by Labcorp Genetics (formerly Invitae), Labcorp); PubMed 37085799 (cited by Labcorp Genetics (formerly Invitae), Labcorp).